The following is an entry in ClinVar:

ClinVar aggregate classification (germline): Pathogenic. Review status: criteria provided, multiple submitters, no conflicts (2 of 4 stars). 2 submissions from 2 submitters: Pathogenic (2). Last evaluated 2025-09-30.

Conditions:
Cutis laxa, autosomal dominant 3 (ADCL3). Identifiers: Orphanet 90348, MedGen C4225268, MONDO:0014706, OMIM 616603.
de Barsy syndrome. Also called: Cutis laxa-corneal clouding-oligophrenia syndrome. Identifiers: Orphanet 2962, MedGen C0268354, MONDO:0017569.
Autosomal dominant spastic paraplegia type 9. Identifiers: MedGen C1832669, MONDO:0015091.

gnomAD v4.1: 2 of 1,613,636 alleles (0.00012%); highest among the groups gnomAD compares: South Asian, 0.0011%; no homozygotes.

Submissions (2):

Labcorp Genetics (formerly Invitae), Labcorp
Classification: Pathogenic for Autosomal dominant spastic paraplegia type 9; de Barsy syndrome; Cutis laxa, autosomal dominant 3. Last evaluated: 2025-09-30. Review status: criteria provided, single submitter. Criteria: Invitae Variant Classification Sherloc (09022015). Collection method: clinical testing. Allele origin: germline.
Comment: This sequence change creates a premature translational stop signal (p.Arg159*) in the ALDH18A1 gene. It is expected to result in an absent or disrupted protein product. Loss-of-function variants in ALDH18A1 are known to be pathogenic (PMID: 21739576, 24913064, 28567303, 28604674, 29915212). This variant is present in population databases (rs769656905, gnomAD 0.003%). This variant has not been observed in the literature in individuals with autosomal recessive ALDH18A1-related conditions. This variant has been reported in individual(s) with autosomal dominant spastic paraplegia (PMID: 36239107); however, the role of the variant in this condition is currently unclear. ClinVar contains an entry for this variant (Variation ID: 3767627). For these reasons, this variant has been classified as Pathogenic.

GeneDx
Classification: Pathogenic. Last evaluated: 2024-09-05. Review status: criteria provided, single submitter. Criteria: GeneDx Variant Classification Process June 2021. Collection method: clinical testing. Allele origin: germline. Affected: yes.
Comment: Nonsense variant predicted to result in protein truncation or nonsense mediated decay in a gene for which loss of function is a known mechanism of disease; Not observed at significant frequency in large population cohorts (gnomAD); This variant is associated with the following publications: (PMID: 36239107)

Literature cited by the submitters: PubMed 21739576 (cited by Labcorp Genetics (formerly Invitae), Labcorp); PubMed 24913064 (cited by Labcorp Genetics (formerly Invitae), Labcorp); PubMed 28567303 (cited by Labcorp Genetics (formerly Invitae), Labcorp); PubMed 28604674 (cited by Labcorp Genetics (formerly Invitae), Labcorp); PubMed 29915212 (cited by Labcorp Genetics (formerly Invitae), Labcorp); PubMed 36239107 (cited by Labcorp Genetics (formerly Invitae), Labcorp).

NM_002860.4(ALDH18A1):c.475C>T (p.Arg159Ter)

Gene: ALDH18A1 (aldehyde dehydrogenase 18 family member A1; minus strand). Cytogenetic location: 10q24.1.
Variant type: single nucleotide variant.
Coding change: c.475C>T on transcript NM_002860.4 (MANE Select); coding-DNA position 475, C replaced by T.
Protein change: p.Arg159Ter; replaces arginine 159 with a stop codon.
Molecular consequence: nonsense. On other transcripts: intron variant (2).
Genome position (GRCh38, 1-based): chr10:95,637,176, G>A on the plus strand (C>T on the coding strand, the complement: ALDH18A1 is on the minus strand). VCF-style: chr10-95637176-G-A. GRCh37 (hg19) VCF-style: chr10-97396933-G-A.
Other names: c.475C>T, p.Arg159Ter (NM_001017423.2, NM_001323413.2, NM_001323414.2 and 1 more transcripts); c.142C>T, p.Arg48Ter (NM_001323412.2, NM_001323416.2, NM_001323418.2); c.-78-3527C>T (NM_001323419.2); c.453+111C>T (NM_001323417.2); short protein forms R159*, R48*.
Identifiers: ClinVar variation 3767627 (VCV003767627.3).